The following is an entry in ClinVar:

ClinVar aggregate classification (germline): Likely pathogenic. Review status: criteria provided, multiple submitters, no conflicts (2 of 4 stars). 2 submissions from 2 submitters: Likely pathogenic (2). Last evaluated 2024-10-23.

Conditions:
Ehlers-Danlos syndrome, dermatosparaxis type. Also called: EDS VIIC; Ehlers-Danlos syndrome, type VII, autosomal recessive; Dermatosparaxis. Identifiers: Orphanet 1901, MedGen C2700425, MONDO:0009161, OMIM 225410.

Submissions (2):

Natera, Inc.
Classification: Likely pathogenic for Ehlers-Danlos syndrome type VIIC. Last evaluated: 2024-10-23. Review status: criteria provided, single submitter. Criteria: Natera Variant Classification Schema (03/2026). Collection method: clinical testing. Allele origin: germline.
Comment: The c.3088+1G>A variant in ADAMTS2 is a canonical splice donor site variant predicted to affect pre-mRNA splicing, which may result in an abnormal transcript and altered protein product. This variant is expected to result in nonsense mediated decay, truncation, or a dysfunctional protein product. This variant is rare in the general population with a frequency below the threshold expected for the associated phenotype(s). Given the available evidence, this variant is classified as Likely Pathogenic.

Fulgent Genetics
Classification: Likely pathogenic for Ehlers-Danlos syndrome, dermatosparaxis type. Last evaluated: 2024-06-13. Review status: criteria provided, single submitter. Criteria: ACMG Guidelines, 2015. Collection method: clinical testing. Allele origin: germline.

NM_014244.5(ADAMTS2):c.3088+1G>A

Gene: ADAMTS2 (ADAM metallopeptidase with thrombospondin type 1 motif 2; minus strand). Cytogenetic location: 5q35.3.
Variant type: single nucleotide variant.
Coding change: c.3088+1G>A on transcript NM_014244.5 (MANE Select); the canonical splice donor site of the intron after coding-DNA position 3088, G replaced by A.
Molecular consequence: splice donor variant.
Genome position (GRCh38, 1-based): chr5:179,122,643, C>T on the plus strand (G>A on the coding strand, the complement: ADAMTS2 is on the minus strand). VCF-style: chr5-179122643-C-T. GRCh37 (hg19) VCF-style: chr5-178549644-C-T.
Other names: c.3088+1G>A (NM_014244.4).
Identifiers: ClinVar variation 3592177 (VCV003592177.2).
Genomic context (GRCh38, chr5:179,122,643, plus strand): 5'-GACACCCCCGCCCTGGGCTGCTGCATGCTGGGAGCAGGGGCAGGGGCTGCAGGTGGCTTA[C>T]GGGGACAGGGGCCAAGCCTGCAGGTCCTCGCTGTCTCAGGACGCTCCTCCTGGCAGATGC-3'